The following is an entry in ClinVar:

ClinVar aggregate classification (germline): Uncertain significance. Review status: criteria provided, multiple submitters, no conflicts (2 of 4 stars). 3 submissions from 3 submitters: Uncertain significance (3). Last evaluated 2025-09-09.

Conditions:
Inborn genetic diseases. Identifiers: MedGen C0950123, MeSH D030342.
Autosomal dominant limb-girdle muscular dystrophy type 1F (LGMDD2). Also called: Limb-girdle muscular dystrophy, type 1F; MUSCULAR DYSTROPHY, LIMB-GIRDLE, AUTOSOMAL DOMINANT 2. Identifiers: Orphanet 55595, MedGen C1842062, MONDO:0012034, OMIM 608423.

Allele frequency attached by ClinVar (database versions not stated): gnomAD exomes below 0.00001; gnomAD 0.00001.
gnomAD v4.1: 4 of 1,614,096 alleles (0.00025%); highest among the groups gnomAD compares: Admixed American, 0.005%; no homozygotes.

Submissions (3):

Ambry Genetics
Classification: Uncertain significance for Inborn genetic diseases. Last evaluated: 2025-09-09. Review status: criteria provided, single submitter. Criteria: Ambry Variant Classification Scheme 2023. Collection method: clinical testing. Allele origin: germline.

Labcorp Genetics (formerly Invitae), Labcorp
Classification: Uncertain significance for Autosomal dominant limb-girdle muscular dystrophy type 1F. Last evaluated: 2022-03-24. Review status: criteria provided, single submitter. Criteria: Invitae Variant Classification Sherloc (09022015). Collection method: clinical testing. Allele origin: germline.
Comment: This variant is present in population databases (no rsID available, gnomAD 0.006%). This variant has not been reported in the literature in individuals affected with TNPO3-related conditions. ClinVar contains an entry for this variant (Variation ID: 290289). Algorithms developed to predict the effect of missense changes on protein structure and function are either unavailable or do not agree on the potential impact of this missense change (SIFT: "Tolerated"; PolyPhen-2: "Possibly Damaging"; Align-GVGD: "Class C0"). In summary, the available evidence is currently insufficient to determine the role of this variant in disease. Therefore, it has been classified as a Variant of Uncertain Significance. This sequence change replaces tryptophan, which is neutral and slightly polar, with arginine, which is basic and polar, at codon 858 of the TNPO3 protein (p.Trp858Arg).

Eurofins Ntd Llc (ga)
Classification: Uncertain significance. Last evaluated: 2016-09-12. Review status: criteria provided, single submitter. Criteria: EGL Classification Definitions 2015. Collection method: clinical testing. Allele origin: germline. Observed: 1 variant allele, 1 heterozygote.

NM_012470.4(TNPO3):c.2572T>C (p.Trp858Arg)

Gene: TNPO3 (transportin 3; minus strand). Cytogenetic location: 7q32.1.
Variant type: single nucleotide variant.
Coding change: c.2572T>C on transcript NM_012470.4 (MANE Select); coding-DNA position 2572, T replaced by C.
Protein change: p.Trp858Arg; replaces tryptophan 858 with arginine.
Molecular consequence: missense variant. On other transcripts: non-coding transcript variant (18).
Genome position (GRCh38, 1-based): chr7:128,970,174, A>G on the plus strand (T>C on the coding strand, the complement: TNPO3 is on the minus strand). VCF-style: chr7-128970174-A-G. GRCh37 (hg19) VCF-style: chr7-128610228-A-G.
Other names: c.2572T>C (NM_012470.3); c.2380T>C, p.Trp794Arg (NM_001191028.3, NM_001382223.1); c.2674T>C, p.Trp892Arg (NM_001382216.1); c.2653T>C, p.Trp885Arg (NM_001382217.1); c.2572T>C, p.Trp858Arg (NM_001382218.1); c.2464T>C, p.Trp822Arg (NM_001382219.1); c.2431T>C, p.Trp811Arg (NM_001382220.1); c.2428T>C, p.Trp810Arg (NM_001382221.1); and 1 more; short protein forms W858R, W794R, W809R, W810R, W811R, W822R, W885R, W892R.
Identifiers: ClinVar variation 290289 (VCV000290289.10), dbSNP rs886044413, ClinGen allele CA10606723.
Genomic context (GRCh38, chr7:128,970,174, plus strand): 5'-CTATGAGATAAATTCCTCATGAAAACAATCTTACCGGTCTGTCAACCTGCATGATCTCCC[A>G]GAGCACTTCAGCCACATCTGGTAGGGTATAGGGGGGGAGGCAAAAGCAGCAGGTGTGCAG-3'
Protein context (NP_036602.1, residues 848-868): YTLPDVAEVL[Trp858Arg]EIMQVDRPTF